The following is an entry in ClinVar:

NM_001267550.2(TTN):c.13740C>G (p.Ser4580=)

Gene: TTN (titin; minus strand). Cytogenetic location: 2q31.2.
Variant type: single nucleotide variant.
Coding change: c.13740C>G on transcript NM_001267550.2 (MANE Select); coding-DNA position 13740, C replaced by G.
Protein change: p.Ser4580=; no amino-acid change (serine 4580 retained).
Molecular consequence: synonymous variant. On other transcripts: intron variant (1).
Genome position (GRCh38, 1-based): chr2:178,739,493, G>C on the plus strand (C>G on the coding strand, the complement: TTN is on the minus strand). VCF-style: chr2-178739493-G-C. GRCh37 (hg19) VCF-style: chr2-179604220-G-C.
Other names: c.12789C>G, p.Ser4263= (NM_001256850.1); c.12651C>G, p.Ser4217= (NM_003319.4); c.13026C>G, p.Ser4342= (NM_133432.3); c.13227C>G, p.Ser4409= (NM_133437.4); c.10361-1133C>G (NM_133378.4).
Identifiers: ClinVar variation 2154886 (VCV002154886.8), dbSNP rs766856418, ClinGen allele CA2002529.

ClinVar aggregate classification (germline): Likely benign. Review status: criteria provided, multiple submitters, no conflicts (2 of 4 stars). 3 submissions from 3 submitters: Likely benign (2). 1 of the submissions does not count toward it. Last evaluated 2025-10-19.

Conditions:
TTN-related disorder. Also called: TTN-related condition; TTN-related disease; TTN-related disorders.
Cardiovascular phenotype. Identifiers: MedGen CN230736.
Dilated cardiomyopathy 1G (CMD1G). Identifiers: Orphanet 154, MedGen C1858763, MONDO:0011400, OMIM 604145.
Autosomal recessive limb-girdle muscular dystrophy type 2J (LGMDR10). Also called: Limb-girdle muscular dystrophy, type 2J; MUSCULAR DYSTROPHY, LIMB-GIRDLE, AUTOSOMAL RECESSIVE 10. Identifiers: Orphanet 140922, MedGen C1837342, MONDO:0012127, OMIM 608807.

Allele frequency attached by ClinVar (database versions not stated): TOPMed below 0.00001; gnomAD 0.00001; gnomAD exomes 0.00001; ExAC 0.00006.
gnomAD v4.1: 23 of 1,613,592 alleles (0.0014%); highest among the groups gnomAD compares: Non-Finnish European, 0.0019%; no homozygotes.

Submissions (3):

Labcorp Genetics (formerly Invitae), Labcorp
Classification: Likely benign for Dilated cardiomyopathy 1G; Autosomal recessive limb-girdle muscular dystrophy type 2J. Last evaluated: 2025-10-19. Review status: criteria provided, single submitter. Criteria: Invitae Variant Classification Sherloc (09022015). Collection method: clinical testing. Allele origin: germline.

Ambry Genetics
Classification: Likely benign for Cardiovascular phenotype. Last evaluated: 2023-06-29. Review status: criteria provided, single submitter. Criteria: Ambry Variant Classification Scheme 2023. Collection method: clinical testing. Allele origin: germline.

PreventionGenetics, part of Exact Sciences
Classification: Likely benign for TTN-related condition. Last evaluated: 2024-02-07. Review status: no assertion criteria provided. Collection method: clinical testing. Allele origin: germline. Not counted in ClinVar's aggregate classification.
Comment: This variant is classified as likely benign based on ACMG/AMP sequence variant interpretation guidelines (Richards et al. 2015 PMID: 25741868, with internal and published modifications).